The following is an entry in ClinVar:

NM_006600.4(NUDC):c.606C>T (p.Ile202=)

Gene: NUDC (nuclear distribution C, dynein complex regulator; plus strand). Cytogenetic location: 1p36.11.
Variant type: single nucleotide variant.
Coding change: c.606C>T on transcript NM_006600.4 (MANE Select); coding-DNA position 606, C replaced by T.
Protein change: p.Ile202=; no amino-acid change (isoleucine 202 retained).
Molecular consequence: synonymous variant.
Genome position (GRCh38, 1-based): chr1:26,942,930, C>T. VCF-style: chr1-26942930-C-T. GRCh37 (hg19) VCF-style: chr1-27269421-C-T.
Identifiers: ClinVar variation 3352256 (VCV003352256.1).
Genomic context (GRCh38, chr1:26,942,930, plus strand): 5'-GCTGGCGGTCCCTTTCTGTGTGAACTTCCGGCTGAAAGGGAAGGACATGGTGGTGGACAT[C>T]CAGCGGCGGCACCTCCGGGTGGGGCTCAAGGGGCAGCCAGCGATCATTGATGGGGAGCTC-3'
Protein context (NP_006591.1, residues 192-212): RLKGKDMVVD[Ile202=]QRRHLRVGLK

ClinVar aggregate classification (germline): Likely benign (0 of 4 stars; one submission).

Conditions:
NUDC-related condition.

gnomAD v4.1: 87 of 1,613,872 alleles (0.0054%); highest among the groups gnomAD compares: Non-Finnish European, 0.007%; no homozygotes.

Submission:

PreventionGenetics, part of Exact Sciences
Classification: Likely benign for NUDC-related condition. Last evaluated: 2024-09-09. Review status: no assertion criteria provided. Collection method: clinical testing. Allele origin: germline.
Comment: This variant is classified as likely benign based on ACMG/AMP sequence variant interpretation guidelines (Richards et al. 2015 PMID: 25741868, with internal and published modifications).